The following is an entry in ClinVar:

ClinVar aggregate classification (germline): Uncertain significance. Review status: criteria provided, multiple submitters, no conflicts (2 of 4 stars). 2 submissions from 2 submitters: Uncertain significance (2). Last evaluated 2025-08-08.

Conditions:
Inborn genetic diseases. Identifiers: MedGen C0950123, MeSH D030342.

gnomAD v4.1: 16 of 1,605,922 alleles (0.001%); highest among the groups gnomAD compares: Non-Finnish European, 0.0012%; no homozygotes.

Submissions (2):

Ambry Genetics
Classification: Uncertain significance for Inborn genetic diseases. Last evaluated: 2025-08-08. Review status: criteria provided, single submitter. Criteria: Ambry Variant Classification Scheme 2023. Collection method: clinical testing. Allele origin: germline.

Labcorp Genetics (formerly Invitae), Labcorp
Classification: Uncertain significance. Last evaluated: 2025-06-10. Review status: criteria provided, single submitter. Criteria: Invitae Variant Classification Sherloc (09022015). Collection method: clinical testing. Allele origin: germline.
Comment: This sequence change replaces alanine, which is neutral and non-polar, with aspartic acid, which is acidic and polar, at codon 2278 of the ACAN protein (p.Ala2278Asp). The frequency data for this variant in the population databases is considered unreliable, as metrics indicate poor data quality at this position in the gnomAD database. This variant has not been reported in the literature in individuals affected with ACAN-related conditions. An algorithm developed to predict the effect of missense changes on protein structure and function outputs the following: PolyPhen-2: "Probably Damaging". The aspartic acid amino acid residue is found in multiple mammalian species, which suggests that this missense change does not adversely affect protein function. In summary, the available evidence is currently insufficient to determine the role of this variant in disease. Therefore, it has been classified as a Variant of Uncertain Significance.

NM_001369268.1(ACAN):c.6833C>A (p.Ala2278Asp)

Gene: ACAN (aggrecan; plus strand). Cytogenetic location: 15q26.1.
Variant type: single nucleotide variant.
Coding change: c.6833C>A on transcript NM_001369268.1 (MANE Select); coding-DNA position 6833, C replaced by A.
Protein change: p.Ala2278Asp; replaces alanine 2278 with aspartic acid.
Molecular consequence: missense variant. On other transcripts: intron variant (3).
Genome position (GRCh38, 1-based): chr15:88,860,326, C>A. VCF-style: chr15-88860326-C-A. GRCh37 (hg19) VCF-style: chr15-89403557-C-A.
Other names: c.6833C>A, p.Ala2278Asp (NM_013227.4); c.6832+909C>A (NM_001411097.1, NM_001411096.1, NM_001135.4); short protein forms A2278D.
Identifiers: ClinVar variation 4214184 (VCV004214184.2).